The following is an entry in ClinVar:

ClinVar aggregate classification (germline): Uncertain significance (1 of 4 stars; one submission).

Conditions:
Peroxisome biogenesis disorder, complementation group K (CGK). Identifiers: MedGen C1866257, MONDO:0800365.

Submission:

Labcorp Genetics (formerly Invitae), Labcorp
Classification: Uncertain significance for Peroxisome biogenesis disorder, complementation group K. Last evaluated: 2022-05-25. Review status: criteria provided, single submitter. Criteria: Invitae Variant Classification Sherloc (09022015). Collection method: clinical testing. Allele origin: germline.
Comment: This sequence change affects codon 56 of the PEX14 mRNA. It is a 'silent' change, meaning that it does not change the encoded amino acid sequence of the PEX14 protein. It affects a nucleotide within the consensus splice site. In summary, the available evidence is currently insufficient to determine the role of this variant in disease. Therefore, it has been classified as a Variant of Uncertain Significance. Algorithms developed to predict the effect of sequence changes on RNA splicing suggest that this variant may disrupt the consensus splice site. This variant has not been reported in the literature in individuals affected with PEX14-related conditions. This variant is not present in population databases (gnomAD no frequency).

NM_004565.3(PEX14):c.168A>G (p.Lys56=)

Gene: PEX14 (peroxisomal biogenesis factor 14; plus strand). Cytogenetic location: 1p36.22.
Variant type: single nucleotide variant.
Coding change: c.168A>G on transcript NM_004565.3 (MANE Select); coding-DNA position 168, A replaced by G.
Protein change: p.Lys56=; no amino-acid change (lysine 56 retained).
Molecular consequence: synonymous variant.
Genome position (GRCh38, 1-based): chr1:10,536,296, A>G. VCF-style: chr1-10536296-A-G. GRCh37 (hg19) VCF-style: chr1-10596353-A-G.
Identifiers: ClinVar variation 1998441 (VCV001998441.4), dbSNP rs2522862399, ClinGen allele CA416014693.